The following is an entry in ClinVar:

ClinVar aggregate classification (germline): Uncertain significance (1 of 4 stars; one submission).

Conditions:
Leukodystrophy, hypomyelinating, 6. Also called: LEUKODYSTROPHY, HYPOMYELINATING, WITH ATROPHY OF THE BASAL GANGLIA AND CEREBELLUM; TUBB4A-Associated Leukodystrophy; Hypomyelination with Atrophy of Basal Ganglia and Cerebellum (H-ABC). Identifiers: Orphanet 139441, MedGen C2676244, MONDO:0012905, OMIM 612438.

Submission:

Labcorp Genetics (formerly Invitae), Labcorp
Classification: Uncertain significance for Leukodystrophy, hypomyelinating, 6. Last evaluated: 2022-08-16. Review status: criteria provided, single submitter. Criteria: Invitae Variant Classification Sherloc (09022015). Collection method: clinical testing. Allele origin: germline.
Comment: A gross deletion of the genomic region encompassing the full coding sequence of the TUBB4A gene has been identified. The current clinical and genetic evidence is not sufficient to establish whether loss-of-function variants in TUBB4A cause disease. The boundaries of this event are unknown as they extend beyond the assayed region for this gene and therefore may encompass additional genes. This variant has not been reported in the literature in individuals affected with TUBB4A-related conditions. A similar copy number variant has been observed in at least one individual who was not affected with TUBB4A-related conditions (Invitae). In summary, the available evidence is currently insufficient to determine the role of this variant in disease. Therefore, it has been classified as a Variant of Uncertain Significance.

NC_000019.9:g.(?_6495175)_(6502223_?)del

Gene: TUBB4A (tubulin beta 4A class IVa; minus strand). Cytogenetic location: 19p13.3.
Variant type: Deletion.
Identifiers: ClinVar variation 2425510 (VCV002425510.3).